The following is an entry in ClinVar:

NM_000075.4(CDK4):c.752C>G (p.Pro251Arg)

Genes: TSPAN31 (tetraspanin 31; plus strand), CDK4 (cyclin dependent kinase 4; minus strand). Cytogenetic location: 12q14.1.
Variant type: single nucleotide variant.
Coding change: c.752C>G on transcript NM_000075.4 (MANE Select); coding-DNA position 752, C replaced by G.
Protein change: p.Pro251Arg; replaces proline 251 with arginine.
Molecular consequence: missense variant. On other transcripts: 3 prime UTR variant (3).
Genome position (GRCh38, 1-based): chr12:57,749,249, G>C on the plus strand (C>G on the coding strand, the complement: CDK4 is on the minus strand). VCF-style: chr12-57749249-G-C. GRCh37 (hg19) VCF-style: chr12-58143032-G-C.
Other names: c.*1959G>C (NM_001330168.2, NM_001330169.2, NM_005981.5); short protein forms P251R.
Identifiers: ClinVar variation 220063 (VCV000220063.23), dbSNP rs143670820, ClinGen allele CA350084.
Genomic context (GRCh38, chr12:57,749,249, plus strand): 5'-AGCTGTGCTCCCGACTCCTCCATCTCAGGTACCACCGACTGCACTGGGCGGGGCCCTCTG[G>C]GGGGAAAGGCTCCACGGGGCAGGGATACATCTCGAGGCCAGTCATCCTCTGGAGGCAGCC-3'
Protein context (NP_000066.1, residues 241-261): DVSLPRGAFP[Pro251Arg]RGPRPVQSVV

ClinVar aggregate classification (germline): Conflicting classifications of pathogenicity. Review status: criteria provided, conflicting classifications (1 of 4 stars). 6 submissions from 6 submitters: Uncertain significance (3); Likely benign (3). Last evaluated 2026-02-01.

Conditions:
Familial melanoma. Also called: Hereditary melanoma; Hereditary cutaneous melanoma. Identifiers: Orphanet 618, MedGen C1512419, MONDO:0018961.
Hereditary cancer-predisposing syndrome. Also called: Hereditary neoplastic syndrome; Tumor predisposition; Hereditary Cancer Syndrome; Neoplastic Syndromes, Hereditary. Identifiers: Orphanet 140162, MedGen C0027672, MeSH D009386, MONDO:0015356.
Melanoma, cutaneous malignant, susceptibility to, 3. Also called: Cutaneous malignant melanoma 3. Identifiers: Orphanet 618, MedGen C1836892, MONDO:0012183, OMIM 609048.

Allele frequency attached by ClinVar (database versions not stated): TOPMed 0.00001.
gnomAD v4.1: 18 of 1,614,106 alleles (0.0011%); highest among the groups gnomAD compares: Admixed American, 0.022%; no homozygotes.

Submissions (6):

Labcorp Genetics (formerly Invitae), Labcorp
Classification: Likely benign for Familial melanoma. Last evaluated: 2026-02-01. Review status: criteria provided, single submitter. Criteria: Invitae Variant Classification Sherloc (09022015). Collection method: clinical testing. Allele origin: germline.

Quest Diagnostics Nichols Institute San Juan Capistrano
Classification: Likely benign. Last evaluated: 2025-03-24. Review status: criteria provided, single submitter. Criteria: Quest Diagnostics criteria. Collection method: clinical testing. Allele origin: unknown.

Center for Genomic Medicine, Rigshospitalet, Copenhagen University Hospital
Classification: Uncertain significance. Last evaluated: 2025-03-04. Review status: criteria provided, single submitter. Criteria: ACMG Guidelines, 2015. Collection method: clinical testing. Allele origin: germline.

Fulgent Genetics
Classification: Uncertain significance for Melanoma, cutaneous malignant, susceptibility to, 3. Last evaluated: 2024-04-12. Review status: criteria provided, single submitter. Criteria: ACMG Guidelines, 2015. Collection method: clinical testing. Allele origin: germline.

GeneDx
Classification: Uncertain significance. Last evaluated: 2024-03-06. Review status: criteria provided, single submitter. Criteria: GeneDx Variant Classification Process June 2021. Collection method: clinical testing. Allele origin: germline. Affected: yes.
Comment: In silico analysis supports that this missense variant does not alter protein structure/function; Observed in patients with a personal and family history of pancreatic or breast cancer (PMID: 28726808, 35534704); This variant is associated with the following publications: (PMID: 26252490, 36243179, 28726808, 35534704)

Ambry Genetics
Classification: Likely benign for Hereditary cancer-predisposing syndrome. Last evaluated: 2023-09-16. Review status: criteria provided, single submitter. Criteria: Ambry Variant Classification Scheme 2023. Collection method: clinical testing. Allele origin: germline.